The following is an entry in ClinVar:

ClinVar aggregate classification (germline): Likely benign. Review status: criteria provided, multiple submitters, no conflicts (2 of 4 stars). 4 submissions from 4 submitters: Likely benign (3). 1 of the submissions does not count toward it. Last evaluated 2025-12-15.

Conditions:
Hereditary cancer-predisposing syndrome. Also called: Hereditary neoplastic syndrome; Tumor predisposition; Neoplastic Syndromes, Hereditary; Hereditary Cancer Syndrome. Identifiers: Orphanet 140162, MedGen C0027672, MeSH D009386, MONDO:0015356.
ALK-related disorder. Also called: ALK-related condition.
Neuroblastoma, susceptibility to, 3. Also called: ALK-Related Neuroblastic Tumor Susceptibility. Identifiers: Orphanet 635, MedGen C2751681, MONDO:0013083, OMIM 613014.

Allele frequency attached by ClinVar (database versions not stated): gnomAD exomes 0.00001 and 0.00006; ExAC 0.00008; gnomAD 0.00014 and 0.00016; TOPMed 0.00014; ESP Exome Variant Server 0.00015; 1000 Genomes Project 0.00080; 1000 Genomes Project 30x 0.00094.

Submissions (4):

Labcorp Genetics (formerly Invitae), Labcorp
Classification: Likely benign for Neuroblastoma, susceptibility to, 3. Last evaluated: 2025-12-15. Review status: criteria provided, single submitter. Criteria: Invitae Variant Classification Sherloc (09022015). Collection method: clinical testing. Allele origin: germline.

CeGaT Center for Human Genetics Tuebingen
Classification: Likely benign. Last evaluated: 2024-11-01. Review status: criteria provided, single submitter. Criteria: CeGaT Center For Human Genetics Tuebingen Variant Classification Criteria Version 2. Collection method: clinical testing. Allele origin: germline. Affected: yes. Observed: 1 variant allele.
Comment: ALK: BP4, BP7

Ambry Genetics
Classification: Likely benign for Hereditary cancer-predisposing syndrome. Last evaluated: 2022-02-14. Review status: criteria provided, single submitter. Criteria: Ambry Variant Classification Scheme 2023. Collection method: clinical testing. Allele origin: germline.

PreventionGenetics, part of Exact Sciences
Classification: Likely benign for ALK-related condition. Last evaluated: 2022-01-06. Review status: no assertion criteria provided. Collection method: clinical testing. Allele origin: germline. Not counted in ClinVar's aggregate classification.
Comment: This variant is classified as likely benign based on ACMG/AMP sequence variant interpretation guidelines (Richards et al. 2015 PMID: 25741868, with internal and published modifications).

NM_004304.5(ALK):c.679T>C (p.Leu227=)

Gene: ALK (ALK receptor tyrosine kinase; minus strand). Cytogenetic location: 2p23.2.
Variant type: single nucleotide variant.
Coding change: c.679T>C on transcript NM_004304.5 (MANE Select); coding-DNA position 679, T replaced by C.
Protein change: p.Leu227=; no amino-acid change (leucine 227 retained).
Molecular consequence: synonymous variant.
Genome position (GRCh38, 1-based): chr2:29,717,686, A>G on the plus strand (T>C on the coding strand, the complement: ALK is on the minus strand). VCF-style: chr2-29717686-A-G. GRCh37 (hg19) VCF-style: chr2-29940552-A-G.
Identifiers: ClinVar variation 470895 (VCV000470895.30), dbSNP rs201659891, ClinGen allele CA1594899.